The following is an entry in ClinVar:

ClinVar aggregate classification (germline): Uncertain significance. Review status: criteria provided, multiple submitters, no conflicts (2 of 4 stars). 3 submissions from 3 submitters: Uncertain significance (3). Last evaluated 2024-06-12.

Conditions:
Glycogen storage disease, type II (IOPD). Also called: Pompe Disease; POMPE DISEASE, INFANTILE-ONSET; GLYCOGEN STORAGE DISEASE II, INFANTILE-ONSET; ACID ALPHA-GLUCOSIDASE DEFICIENCY, INFANTILE-ONSET; GAA DEFICIENCY, INFANTILE-ONSET; ACID MALTASE DEFICIENCY, INFANTILE-ONSET. Identifiers: Orphanet 365, MedGen C0017921, MONDO:0009290, OMIM 232300.

Allele frequency attached by ClinVar (database versions not stated): gnomAD exomes below 0.00001 and 0.00001; ExAC 0.00001.
gnomAD v4.1: 3 of 1,613,346 alleles (0.00019%); highest among the groups gnomAD compares: East Asian, 0.0067%; no homozygotes.

Submissions (3):

Fulgent Genetics
Classification: Uncertain significance for Glycogen storage disease, type II. Last evaluated: 2024-06-12. Review status: criteria provided, single submitter. Criteria: ACMG Guidelines, 2015. Collection method: clinical testing. Allele origin: germline.

Labcorp Genetics (formerly Invitae), Labcorp
Classification: Uncertain significance for Glycogen storage disease, type II. Last evaluated: 2021-08-30. Review status: criteria provided, single submitter. Criteria: Invitae Variant Classification Sherloc (09022015). Collection method: clinical testing. Allele origin: germline.
Comment: This sequence change replaces alanine with valine at codon 25 of the GAA protein (p.Ala25Val). The alanine residue is moderately conserved and there is a small physicochemical difference between alanine and valine. This variant is present in population databases (rs768867363, ExAC 0.01%). This variant has not been reported in the literature in individuals affected with GAA-related conditions. ClinVar contains an entry for this variant (Variation ID: 497169). Algorithms developed to predict the effect of missense changes on protein structure and function output the following: SIFT: "Tolerated"; PolyPhen-2: "Benign"; Align-GVGD: "Class C0". The valine amino acid residue is found in multiple mammalian species, which suggests that this missense change does not adversely affect protein function. In summary, the available evidence is currently insufficient to determine the role of this variant in disease. Therefore, it has been classified as a Variant of Uncertain Significance.

Eurofins Ntd Llc (ga)
Classification: Uncertain significance. Last evaluated: 2016-10-03. Review status: criteria provided, single submitter. Criteria: EGL Classification Definitions 2015. Collection method: clinical testing. Allele origin: germline. Observed: 1 variant allele, 1 heterozygote.

NM_000152.5(GAA):c.74C>T (p.Ala25Val)

Gene: GAA (alpha glucosidase; plus strand). Cytogenetic location: 17q25.3.
Variant type: single nucleotide variant.
Coding change: c.74C>T on transcript NM_000152.5 (MANE Select); coding-DNA position 74, C replaced by T.
Protein change: p.Ala25Val; replaces alanine 25 with valine.
Molecular consequence: missense variant.
Genome position (GRCh38, 1-based): chr17:80,104,660, C>T. VCF-style: chr17-80104660-C-T. GRCh37 (hg19) VCF-style: chr17-78078459-C-T.
Other names: c.74C>T, p.Ala25Val (NM_001079803.3, NM_001079804.3); short protein forms A25V.
Identifiers: ClinVar variation 497169 (VCV000497169.8), dbSNP rs768867363, ClinGen allele CA8814782.